The following is an entry in ClinVar:

NM_001003841.3(SLC6A19):c.1550A>G (p.Asp517Gly)

Gene: SLC6A19 (solute carrier family 6 member 19; plus strand). Cytogenetic location: 5p15.33.
Variant type: single nucleotide variant.
Coding change: c.1550A>G on transcript NM_001003841.3 (MANE Select); coding-DNA position 1550, A replaced by G.
Protein change: p.Asp517Gly; replaces aspartic acid 517 with glycine.
Molecular consequence: missense variant.
Genome position (GRCh38, 1-based): chr5:1,221,162, A>G. VCF-style: chr5-1221162-A-G. GRCh37 (hg19) VCF-style: chr5-1221277-A-G.
Other names: short protein forms D517G.
Identifiers: ClinVar variation 1705051 (VCV001705051.2), dbSNP rs745524993, ClinGen allele CA3183226.
Genomic context (GRCh38, chr5:1,221,162, plus strand): 5'-TTGAAGCCCAGCTGGTAGCAGCAGTGACAGCTGTCTCTGGCCTTGGCAGGTTCAATAAGG[A>G]CATCGAGTTCATGATCGGCCACAAGCCCAACATCTTCTGGCAAGTCACGTGGCGCGTGGT-3'
Protein context (NP_001003841.1, residues 507-527): YVYGVDRFNK[Asp517Gly]IEFMIGHKPN

ClinVar aggregate classification (germline): Likely pathogenic. Review status: criteria provided, multiple submitters, no conflicts (2 of 4 stars). 2 submissions from 2 submitters: Likely pathogenic (2). Last evaluated 2024-04-16.

Conditions:
Neutral 1 amino acid transport defect (HND). Also called: Hartnup disease; HARTNUP DISORDER. Identifiers: Orphanet 2116, MedGen C0018609, MONDO:0009324, OMIM 234500.

Allele frequency attached by ClinVar (database versions not stated): ExAC 0.00002; gnomAD 0.00003; TOPMed 0.00003.
gnomAD v4.1: 103 of 1,613,640 alleles (0.0064%); highest among the groups gnomAD compares: Non-Finnish European, 0.0081%; no homozygotes.

Submissions (2):

Fulgent Genetics
Classification: Likely pathogenic for Neutral 1 amino acid transport defect. Last evaluated: 2024-04-16. Review status: criteria provided, single submitter. Criteria: ACMG Guidelines, 2015. Collection method: clinical testing. Allele origin: germline.

Women's Health and Genetics/Laboratory Corporation of America, LabCorp
Classification: Likely pathogenic for Neutral 1 amino acid transport defect. Last evaluated: 2022-08-07. Review status: criteria provided, single submitter. Criteria: LabCorp Variant Classification Summary - May 2015. Collection method: clinical testing. Allele origin: germline.
Comment: Variant summary: SLC6A19 c.1550A>G (p.Asp517Gly) results in a non-conservative amino acid change in the encoded protein sequence. Five of five in-silico tools predict a damaging effect of the variant on protein function. The variant allele was found at a frequency of 2e-05 in 250024 control chromosomes (gnomAD). c.1550A>G has been reported in the literature in two Australian individuals affected with Hartnup Disease (example: Azmanov_2008). Additionally, Azmanov_2008 demonstrated that this variant impairs Leucine uptake in Xenopus leavis oocytes (30% compared to wild-type). These data indicate that the variant may be associated with disease. No clinical diagnostic laboratories have submitted clinical-significance assessments for this variant to ClinVar after 2014. Based on the evidence outlined above, the variant was classified as likely pathogenic.

Literature cited by the submitters: PubMed 18484095 (cited by Women's Health and Genetics/Laboratory Corporation of America, LabCorp).